The following is an entry in ClinVar:

ClinVar aggregate classification (germline): Uncertain significance (1 of 4 stars; one submission).

Submission:

Labcorp Genetics (formerly Invitae), Labcorp
Classification: Uncertain significance. Last evaluated: 2022-12-08. Review status: criteria provided, single submitter. Criteria: Invitae Variant Classification Sherloc (09022015). Collection method: clinical testing. Allele origin: germline.
Comment: In summary, the available evidence is currently insufficient to determine the role of this variant in disease. Therefore, it has been classified as a Variant of Uncertain Significance. This sequence change replaces glutamic acid, which is acidic and polar, with valine, which is neutral and non-polar, at codon 1251 of the CAMTA1 protein (p.Glu1251Val). This variant is not present in population databases (gnomAD no frequency). This variant has not been reported in the literature in individuals affected with CAMTA1-related conditions. ClinVar contains an entry for this variant (Variation ID: 1722044). Algorithms developed to predict the effect of missense changes on protein structure and function are either unavailable or do not agree on the potential impact of this missense change (SIFT: "Deleterious"; PolyPhen-2: "Possibly Damaging"; Align-GVGD: "Class C0").

NM_015215.4(CAMTA1):c.3752A>T (p.Glu1251Val)

Genes: CAMTA1 (calmodulin binding transcription activator 1; plus strand), LOC126805603 (CDK7 strongly-dependent group 2 enhancer GRCh37_chr1:7798026-7799225; plus strand). Cytogenetic location: 1p36.23.
Variant type: single nucleotide variant.
Coding change: c.3752A>T on transcript NM_015215.4 (MANE Select); coding-DNA position 3752, A replaced by T.
Protein change: p.Glu1251Val; replaces glutamic acid 1251 with valine.
Molecular consequence: missense variant. On other transcripts: intron variant (11).
Genome position (GRCh38, 1-based): chr1:7,738,052, A>T. VCF-style: chr1-7738052-A-T. GRCh37 (hg19) VCF-style: chr1-7798112-A-T.
Other names: c.3659-246A>T (NM_001349609.2, NM_001349610.2); c.3569-246A>T (NM_001349612.2); c.731-246A>T (NM_001349620.1, NM_001349621.1, NM_001349625.2 and 5 more transcripts); c.3662A>T, p.Glu1221Val (NM_001349608.2); c.881A>T, p.Glu294Val (NM_001349613.1); c.824A>T, p.Glu275Val (NM_001349614.1, NM_001349615.2, NM_001349616.2 and 2 more transcripts); short protein forms E1221V, E1251V, E275V, E294V.
Identifiers: ClinVar variation 1722044 (VCV001722044.6), dbSNP rs2523233386, ClinGen allele CA338131895.